The following is an entry in ClinVar:

ClinVar aggregate classification (germline): Pathogenic/Likely pathogenic. Review status: criteria provided, multiple submitters, no conflicts (2 of 4 stars). 6 submissions from 6 submitters: Pathogenic (3); Likely pathogenic (2). 1 of the submissions does not count toward it. Last evaluated 2025-08-18.

Conditions:
Wilson disease (WND). Also called: Wilson's disease. Identifiers: Orphanet 905, MedGen C0019202, MONDO:0010200, OMIM 277900. Disease mechanism: loss of function.

Submissions (6):

Natera, Inc.
Classification: Pathogenic for Wilson disease. Last evaluated: 2025-08-18. Review status: criteria provided, single submitter. Criteria: Natera Variant Classification Schema (03/2026). Collection method: clinical testing. Allele origin: germline.
Comment: The c.174dup variant in ATP7B is a frameshift variant predicted to shift the reading frame beginning at codon 59 and leads to a stop codon 19 codons downstream. This variant is expected to result in nonsense mediated decay, truncation, or a dysfunctional protein product. This variant is rare in the general population with a frequency below the threshold expected for the associated phenotype(s). This variant has been observed in one or more individuals affected with the associated recessive disease, as either homozygous or compound heterozygous with a second variant (PMID: 31059521). Given the available evidence, this variant is classified as Pathogenic.

Mayo Clinic Laboratories, Mayo Clinic
Classification: Likely pathogenic. Last evaluated: 2024-02-15. Review status: criteria provided, single submitter. Criteria: ACMG Guidelines, 2015. Collection method: clinical testing. Allele origin: germline. Observed: 1 variant allele.
Comment: PM2_moderate, PM3, PVS1

Genome-Nilou Lab
Classification: Pathogenic for Wilson disease. Last evaluated: 2021-08-10. Review status: criteria provided, single submitter. Criteria: ACMG Guidelines, 2015. Collection method: clinical testing. Allele origin: germline. Affected: no.

Women's Health and Genetics/Laboratory Corporation of America, LabCorp
Classification: Pathogenic for Wilson disease. Last evaluated: 2021-06-23. Review status: criteria provided, single submitter. Criteria: LabCorp Variant Classification Summary - May 2015. Collection method: clinical testing. Allele origin: germline.
Comment: Variant summary: ATP7B c.174dupC (p.Thr59HisfsX19) results in a premature termination codon, predicted to cause a truncation of the encoded protein or absence of the protein due to nonsense-mediated decay, which are commonly known mechanisms for disease. The variant was absent in 249290 control chromosomes (gnomAD). c.174dupC (also described as c.172_173 insC; p.Ala58Ala-fs/p.Ala58fs*19 in the literature) has been reported in the literature in multiple individuals (homozygous/compound heterozygous/heterozygous) affected with Wilson Disease (Gupta_2005, Mukherjee_2014, Singh_2019). Most of these patients were of Indian origin. These data indicate that the variant is very likely to be associated with the disease. To our knowledge, no experimental evidence demonstrating an impact on protein function has been reported. One ClinVar submitter (evaluation after 2014) cites the variant as likely pathogenic. Based on the evidence outlined above, the variant was classified as pathogenic.

Neuberg Centre For Genomic Medicine, NCGM
Classification: Likely pathogenic for Wilson disease. Review status: criteria provided, single submitter. Criteria: ACMG Guidelines, 2015. Collection method: clinical testing. Allele origin: germline. Inheritance: Autosomal recessive inheritance. Affected: yes.
Comment: The frame shift c.174dup p.Thr59HisfsTer19 variant in ATP7B gene has been reported in homozygous / compound heterozygous state in multiple individuals affected with Wilson Disease Nayagam JS et al. 2022. The p.Thr59HisfsTer19 variant is novel not in any individuals in gnomAD Exomes and is novel not in any individuals in 1000 Genomes. This variant has been reported to the ClinVar database as Pathogenic / Likely Pathogenic. This variant causes a frameshift starting with codon Threonine 59, changes this amino acid to Histidine residue, and creates a premature Stop codon at position 19 of the new reading frame, denoted p.Thr59HisfsTer19. This variant is predicted to cause loss of normal protein function through protein truncation. Functional studies are required to prove the pathogenicity for the variant, for these reasons, this variant has been classified as Likely Pathogenic.

Counsyl
Classification: Likely pathogenic for Wilson disease. Last evaluated: 2016-02-26. Review status: no assertion criteria provided. Collection method: clinical testing. Allele origin: unknown. Not counted in ClinVar's aggregate classification.

Literature cited by the submitters: PubMed 31059521 (cited by 3 submitters); PubMed 16133174 (cited by 3 submitters); PubMed 24094725 (cited by 3 submitters); PubMed 25900953 (cited by Mayo Clinic Laboratories, Mayo Clinic); PubMed 36096368 (cited by Mayo Clinic Laboratories, Mayo Clinic).

NM_000053.4(ATP7B):c.174dup (p.Thr59fs)

Gene: ATP7B (ATPase copper transporting beta; minus strand). Cytogenetic location: 13q14.3.
Variant type: Duplication.
Coding change: c.174dup on transcript NM_000053.4 (MANE Select); coding-DNA position 174, one base duplicated (C; older notation c.174dupC).
Protein change: p.Thr59fs; shifts the reading frame from threonine 59.
Molecular consequence: frameshift variant.
Genome position (GRCh38, 1-based): chr13:51,975,046, G duplicated on the plus strand (C on the coding strand, the reverse complement: ATP7B is on the minus strand); the first of 2 consecutive G bases (chr13:51,975,046-51,975,047); duplicating either gives the same sequence. VCF-style (leftmost placement, unchanged base first): chr13-51975045-T-TG. GRCh37 (hg19) VCF-style: chr13-52549181-T-TG.
Other names: p.Thr59Hisfs*19; c.174dup, p.Thr59fs (NM_001005918.3, NM_001243182.2, NM_001330578.2 and 1 more transcripts); c.174dup (NM_000053.3); short protein forms T59fs.
Identifiers: ClinVar variation 370529 (VCV000370529.10), dbSNP rs1057516561, ClinGen allele CA16041682.